The following is an entry in ClinVar:

ClinVar aggregate classification (germline): Uncertain significance (1 of 4 stars; one submission).

Conditions:
COG1 congenital disorder of glycosylation (CDG2G). Also called: CDG IIg; CDGII/COG1 CEREBROCOSTOMANDIBULAR-LIKE SYNDROME; CONGENITAL DISORDER OF GLYCOSYLATION, TYPE IIg. Identifiers: Orphanet 263508, MedGen C2931011, MONDO:0012637, OMIM 611209.

Allele frequency attached by ClinVar (database versions not stated): gnomAD 0.00001; gnomAD exomes 0.00003 and 0.00009; ExAC 0.00016.
gnomAD v4.1: 52 of 1,614,108 alleles (0.0032%); highest among the groups gnomAD compares: South Asian, 0.05%; no homozygotes.

Submission:

Labcorp Genetics (formerly Invitae), Labcorp
Classification: Uncertain significance for COG1 congenital disorder of glycosylation. Last evaluated: 2022-06-27. Review status: criteria provided, single submitter. Criteria: Invitae Variant Classification Sherloc (09022015). Collection method: clinical testing. Allele origin: germline.
Comment: In summary, the available evidence is currently insufficient to determine the role of this variant in disease. Therefore, it has been classified as a Variant of Uncertain Significance. Algorithms developed to predict the effect of missense changes on protein structure and function are either unavailable or do not agree on the potential impact of this missense change (SIFT: "Tolerated"; PolyPhen-2: "Possibly Damaging"; Align-GVGD: "Class C0"). This sequence change replaces glutamine, which is neutral and polar, with histidine, which is basic and polar, at codon 754 of the COG1 protein (p.Gln754His). This variant is present in population databases (rs756535197, gnomAD 0.07%). This variant has not been reported in the literature in individuals affected with COG1-related conditions.

NM_018714.3(COG1):c.2262G>C (p.Gln754His)

Genes: COG1 (component of oligomeric golgi complex 1; plus strand), LOC125316790 (Sharpr-MPRA regulatory region 2581; plus strand). Cytogenetic location: 17q25.1.
Variant type: single nucleotide variant.
Coding change: c.2262G>C on transcript NM_018714.3 (MANE Select); coding-DNA position 2262, G replaced by C.
Protein change: p.Gln754His; replaces glutamine 754 with histidine.
Molecular consequence: missense variant.
Genome position (GRCh38, 1-based): chr17:73,203,673, G>C. VCF-style: chr17-73203673-G-C. GRCh37 (hg19) VCF-style: chr17-71199812-G-C.
Other names: short protein forms Q754H.
Identifiers: ClinVar variation 1404519 (VCV001404519.7), dbSNP rs756535197, ClinGen allele CA8740413.
Genomic context (GRCh38, chr17:73,203,673, plus strand): 5'-CATTTCTTTGTTCTTTTAGCCGTCCTGGTATGTACAGTCCTTCCTGTTTAGTTTATGCCA[G>C]GAAATTAATCGGGTTGGAGGCCATGCCTTGCCAAAGGTGACATTACAGGAGATGCTGAAA-3'
Protein context (NP_061184.1, residues 744-764): YVQSFLFSLC[Gln754His]EINRVGGHAL